The following is an entry in ClinVar:

ClinVar aggregate classification (germline): Uncertain significance (1 of 4 stars; one submission).

Conditions:
Duchenne muscular dystrophy (DMD). Also called: MUSCULAR DYSTROPHY, PSEUDOHYPERTROPHIC PROGRESSIVE, DUCHENNE TYPE; Duchenne Muscular Dystrophy (DMD). Identifiers: Orphanet 98896, MedGen C0013264, MONDO:0010679, OMIM 310200.

Submission:

Labcorp Genetics (formerly Invitae), Labcorp
Classification: Uncertain significance for Duchenne muscular dystrophy. Last evaluated: 2025-10-21. Review status: criteria provided, single submitter. Criteria: Invitae Variant Classification Sherloc (09022015). Collection method: clinical testing. Allele origin: germline.
Comment: This sequence change replaces cysteine, which is neutral and slightly polar, with tryptophan, which is neutral and slightly polar, at codon 1892 of the DMD protein (p.Cys1892Trp). This variant is not present in population databases (gnomAD no frequency). This variant has not been reported in the literature in individuals affected with DMD-related conditions. Invitae Evidence Modeling of protein sequence and biophysical properties (such as structural, functional, and spatial information, amino acid conservation, physicochemical variation, residue mobility, and thermodynamic stability) indicates that this missense variant is not expected to disrupt DMD protein function with a negative predictive value of 95%. In summary, the available evidence is currently insufficient to determine the role of this variant in disease. Therefore, it has been classified as a Variant of Uncertain Significance.

NM_004006.3(DMD):c.5676C>G (p.Cys1892Trp)

Gene: DMD (dystrophin; minus strand). Cytogenetic location: Xp21.1.
Variant type: single nucleotide variant.
Coding change: c.5676C>G on transcript NM_004006.3 (MANE Select); coding-DNA position 5676, C replaced by G.
Protein change: p.Cys1892Trp; replaces cysteine 1892 with tryptophan.
Molecular consequence: missense variant.
Genome position (GRCh38, 1-based): chrX:32,343,197, G>C on the plus strand (C>G on the coding strand, the complement: DMD is on the minus strand). VCF-style: chrX-32343197-G-C. GRCh37 (hg19) VCF-style: chrX-32361314-G-C.
Other names: c.5652C>G, p.Cys1884Trp (NM_000109.4); c.5664C>G, p.Cys1888Trp (NM_004009.3); c.5307C>G, p.Cys1769Trp (NM_004010.3); c.1653C>G, p.Cys551Trp (NM_004011.4); c.1644C>G, p.Cys548Trp (NM_004012.4); short protein forms C1769W, C1884W, C551W, C1892W, C548W, C1888W.
Identifiers: ClinVar variation 4749962 (VCV004749962.1).